The following is an entry in ClinVar:

ClinVar aggregate classification (germline): other (0 of 4 stars; one submission).

Conditions:
Familial colorectal cancer. Identifiers: MedGen CN280943, MONDO:0023113. Disease mechanism: loss of function.

Submission:

Systems Biology Platform Zhejiang California International NanoSystems Institute
Classification: other for Familial colorectal cancer. Review status: no assertion criteria provided. Collection method: not provided. Allele origin: unknown.
ClinVar note: Converted during submission from cancer to other.

NM_000038.6(APC):c.729+2014C>A

Gene: APC (APC regulator of WNT signaling pathway; plus strand). Cytogenetic location: 5q22.2.
Variant type: single nucleotide variant.
Coding change: c.729+2014C>A on transcript NM_000038.6 (MANE Select); 2014 bases into the intron after coding-DNA position 729, C replaced by A.
Molecular consequence: intron variant.
Genome position (GRCh38, 1-based): chr5:112,794,543, C>A. VCF-style: chr5-112794543-C-A. GRCh37 (hg19) VCF-style: chr5-112130240-C-A.
Other names: c.729+2014C>A (NM_001354895.2, NM_001127510.3, NM_001354896.2 and 1 more transcripts); c.759+2014C>A (NM_001354897.2, NM_001354902.2); c.676-6736C>A (NM_001127511.3); c.654+2014C>A (NM_001354898.2, NM_001354904.2); c.-307+2014C>A (NM_001354906.2); c.646-6736C>A (NM_001354899.2); c.552+2014C>A (NM_001354900.2, NM_001354901.2, NM_001354905.2).
Identifiers: ClinVar variation 83013 (VCV000083013.2), dbSNP rs74430142, ClinGen allele CA013080.